The following is an entry in ClinVar:

ClinVar aggregate classification (germline): Pathogenic (1 of 4 stars; one submission).

Conditions:
Hereditary nonpolyposis colorectal neoplasms. Identifiers: MedGen C0009405, MeSH D003123.

Submission:

Labcorp Genetics (formerly Invitae), Labcorp
Classification: Pathogenic for Hereditary nonpolyposis colorectal neoplasms. Last evaluated: 2022-10-27. Review status: criteria provided, single submitter. Criteria: Invitae Variant Classification Sherloc (09022015). Collection method: clinical testing. Allele origin: germline.
Comment: This variant is a gross deletion of the genomic region encompassing exon(s) 8 of the PMS2 gene. This deletion is out-of-frame, and is expected to create a premature termination codon and result in an absent or disrupted protein product. Loss-of-function variants in PMS2 are known to be pathogenic (PMID: 21376568, 24362816). A similar copy number variant has been observed in individual(s) with Lynch syndrome and constitutional mismatch repair deficiency (PMID: 18602922, 24440087). For these reasons, this variant has been classified as Pathogenic.

Literature cited by the submitters: PubMed 21376568; PubMed 24362816; PubMed 18602922; PubMed 24440087.

NC_000007.14:g.(?_5995524)_(5995643_?)del

Gene: PMS2 (PMS1 homolog 2, mismatch repair system component; minus strand). Cytogenetic location: 7p22.1.
Variant type: Deletion.
Identifiers: ClinVar variation 583983 (VCV000583983.7).